The following is an entry in ClinVar:

ClinVar aggregate classification (germline): Uncertain significance. Review status: criteria provided, multiple submitters, no conflicts (2 of 4 stars). 2 submissions from 2 submitters: Uncertain significance (2). Last evaluated 2025-08-29.

Conditions:
Hereditary cancer-predisposing syndrome. Also called: Neoplastic Syndromes, Hereditary; Tumor predisposition; Hereditary Cancer Syndrome; Hereditary neoplastic syndrome. Identifiers: Orphanet 140162, MedGen C0027672, MeSH D009386, MONDO:0015356.
BAP1-related tumor predisposition syndrome (TPDS1). Also called: BAP1 tumor predisposition syndrome; Tumor susceptibility linked to germline BAP1 mutations; COMMON Syndrome; TUMOR PREDISPOSITION SYNDROME 1. Identifiers: Orphanet 289539, MedGen C3280492, MONDO:0013692, OMIM 614327.

Submissions (2):

Labcorp Genetics (formerly Invitae), Labcorp
Classification: Uncertain significance for BAP1-related tumor predisposition syndrome. Last evaluated: 2025-08-29. Review status: criteria provided, single submitter. Criteria: Invitae Variant Classification Sherloc (09022015). Collection method: clinical testing. Allele origin: germline.
Comment: This sequence change replaces serine, which is neutral and polar, with asparagine, which is neutral and polar, at codon 143 of the BAP1 protein (p.Ser143Asn). This variant is not present in population databases (gnomAD no frequency). This variant has not been reported in the literature in individuals affected with BAP1-related conditions. ClinVar contains an entry for this variant (Variation ID: 2914984). Invitae Evidence Modeling of protein sequence and biophysical properties (such as structural, functional, and spatial information, amino acid conservation, physicochemical variation, residue mobility, and thermodynamic stability) has been performed for this missense variant. However, the output from this modeling did not meet the statistical confidence thresholds required to predict the impact of this variant on BAP1 protein function. In summary, the available evidence is currently insufficient to determine the role of this variant in disease. Therefore, it has been classified as a Variant of Uncertain Significance.

Ambry Genetics
Classification: Uncertain significance for Hereditary cancer-predisposing syndrome. Last evaluated: 2023-12-13. Review status: criteria provided, single submitter. Criteria: Ambry Variant Classification Scheme 2023. Collection method: clinical testing. Allele origin: germline.
Comment: The p.S143N variant (also known as c.428G>A), located in coding exon 6 of the BAP1 gene, results from a G to A substitution at nucleotide position 428. The serine at codon 143 is replaced by asparagine, an amino acid with highly similar properties. This amino acid position is highly conserved in available vertebrate species. In addition, this alteration is predicted to be tolerated by in silico analysis. Since supporting evidence is limited at this time, the clinical significance of this alteration remains unclear.

NM_004656.4(BAP1):c.428G>A (p.Ser143Asn)

Gene: BAP1 (BRCA1 associated deubiquitinase 1; minus strand). Cytogenetic location: 3p21.1.
Variant type: single nucleotide variant.
Coding change: c.428G>A on transcript NM_004656.4 (MANE Select); coding-DNA position 428, G replaced by A.
Protein change: p.Ser143Asn; replaces serine 143 with asparagine.
Molecular consequence: missense variant.
Genome position (GRCh38, 1-based): chr3:52,407,408, C>T on the plus strand (G>A on the coding strand, the complement: BAP1 is on the minus strand). VCF-style: chr3-52407408-C-T. GRCh37 (hg19) VCF-style: chr3-52441424-C-T.
Other names: c.428G>A, p.Ser143Asn (NM_001410772.1); short protein forms S143N.
Identifiers: ClinVar variation 2914984 (VCV002914984.4), dbSNP rs2153227939, ClinGen allele CA353110710.